The following is an entry in ClinVar:

NM_001267550.2(TTN):c.7830G>C (p.Met2610Ile)

Gene: TTN (titin; minus strand). Cytogenetic location: 2q31.2.
Variant type: single nucleotide variant.
Coding change: c.7830G>C on transcript NM_001267550.2 (MANE Select); coding-DNA position 7830, G replaced by C.
Protein change: p.Met2610Ile; replaces methionine 2610 with isoleucine.
Molecular consequence: missense variant.
Genome position (GRCh38, 1-based): chr2:178,773,134, C>G on the plus strand (G>C on the coding strand, the complement: TTN is on the minus strand). VCF-style: chr2-178773134-C-G. GRCh37 (hg19) VCF-style: chr2-179637861-C-G.
Other names: p.M2610I:ATG>ATC; c.7830G>C, p.Met2610Ile (NM_001256850.1, NM_133378.4, NM_133379.5); c.7692G>C, p.Met2564Ile (NM_003319.4, NM_133432.3, NM_133437.4); short protein forms M2610I, M2564I.
Identifiers: ClinVar variation 47451 (VCV000047451.36), dbSNP rs56142888, ClinGen allele CA283958.
Genomic context (GRCh38, chr2:178,773,134, plus strand): 5'-TCCTCGTAAGAATTTAGGTTAATAAATATACCAACCTGCCACAGTAAGTTTTCCAGATGT[C>G]ATATTTTCTCCCGCGTAAAATGTGTATTTTCCTTCATCATCTTTCATCATATTTAGAACT-3'
Protein context (NP_001254479.2, residues 2600-2620): GKYTFYAGEN[Met2610Ile]TSGKLTVAGG

ClinVar aggregate classification (germline): Benign/Likely benign. Review status: criteria provided, multiple submitters, no conflicts (2 of 4 stars). 23 submissions from 16 submitters: Benign (19); Likely benign (2). 2 of the submissions do not count toward it. Last evaluated 2026-02-04.

Conditions:
Dilated cardiomyopathy 1G (CMD1G). Identifiers: Orphanet 154, MedGen C1858763, MONDO:0011400, OMIM 604145.
Autosomal recessive limb-girdle muscular dystrophy type 2J (LGMDR10). Also called: MUSCULAR DYSTROPHY, LIMB-GIRDLE, AUTOSOMAL RECESSIVE 10; Limb-girdle muscular dystrophy, type 2J. Identifiers: Orphanet 140922, MedGen C1837342, MONDO:0012127, OMIM 608807.
Cardiovascular phenotype. Identifiers: MedGen CN230736.
Early-onset myopathy with fatal cardiomyopathy (CMYO5). Also called: CONGENITAL MYOPATHY 5 WITH CARDIOMYOPATHY; Salih Myopathy. Identifiers: Orphanet 289377, MedGen C2673677, MONDO:0012714, OMIM 611705. Disease mechanism: loss of function.
Myopathy, myofibrillar, 9, with early respiratory failure (MFM9). Also called: Myopathy, distal, with early respiratory failure, autosomal dominant; Hereditary myopathy with early respiratory failure; MYOPATHY, PROXIMAL, WITH EARLY RESPIRATORY MUSCLE INVOLVEMENT; EDSTROM MYOPATHY. Identifiers: Orphanet 178464, Orphanet 34521, MedGen C1863599, MONDO:0011362, OMIM 603689.
Tibial muscular dystrophy (TMD). Also called: Udd Distal Myopathy – Tibial Muscular Dystrophy; Tibial muscular dystrophy, tardive; UDD MYOPATHY. Identifiers: Orphanet 609, MedGen C1838244, MONDO:0010870, OMIM 600334.

Allele frequency attached by ClinVar (database versions not stated): TOPMed 0.06074; gnomAD 0.04798 and 0.04988; gnomAD exomes 0.05275 and 0.07863; ExAC 0.07135; 1000 Genomes Project 0.07548; ESP Exome Variant Server 0.03300; 1000 Genomes Project 30x 0.07542.
gnomAD v4.1: 84,592 of 1,613,764 alleles (5.2%); highest among the groups gnomAD compares: Admixed American, 20%; 3,776 homozygotes.

Submissions (23):

Labcorp Genetics (formerly Invitae), Labcorp
Classification: Benign for Dilated cardiomyopathy 1G; Autosomal recessive limb-girdle muscular dystrophy type 2J. Last evaluated: 2026-02-04. Review status: criteria provided, single submitter. Criteria: Invitae Variant Classification Sherloc (09022015). Collection method: clinical testing. Allele origin: germline.

Molecular Diagnostic Laboratory for Inherited Cardiovascular Disease, Montreal Heart Institute
Classification: Benign. Last evaluated: 2025-04-09. Review status: criteria provided, single submitter. Criteria: ACMG Guidelines, 2015. Collection method: clinical testing. Allele origin: germline. Affected: no.

Genome-Nilou Lab
Classification: Benign for Autosomal recessive limb-girdle muscular dystrophy type 2J. Last evaluated: 2021-09-10. Review status: criteria provided, single submitter. Criteria: ACMG Guidelines, 2015. Collection method: clinical testing. Allele origin: germline. Affected: no.

Genome-Nilou Lab
Classification: Benign for Myopathy, myofibrillar, 9, with early respiratory failure. Last evaluated: 2021-09-10. Review status: criteria provided, single submitter. Criteria: ACMG Guidelines, 2015. Collection method: clinical testing. Allele origin: germline. Affected: no.

Genome-Nilou Lab
Classification: Benign for Early-onset myopathy with fatal cardiomyopathy. Last evaluated: 2021-09-10. Review status: criteria provided, single submitter. Criteria: ACMG Guidelines, 2015. Collection method: clinical testing. Allele origin: germline. Affected: no.

Genome-Nilou Lab
Classification: Benign for Tibial muscular dystrophy. Last evaluated: 2021-09-10. Review status: criteria provided, single submitter. Criteria: ACMG Guidelines, 2015. Collection method: clinical testing. Allele origin: germline. Affected: no.

Women's Health and Genetics/Laboratory Corporation of America, LabCorp
Classification: Likely benign. Last evaluated: 2020-09-06. Review status: criteria provided, single submitter. Criteria: LabCorp Variant Classification Summary - May 2015. Collection method: clinical testing. Allele origin: germline.

Illumina Laboratory Services, Illumina
Classification: Benign for Tibial muscular dystrophy. Last evaluated: 2018-01-12. Review status: criteria provided, single submitter. Criteria: ICSL Variant Classification Criteria 13 December 2019. Collection method: clinical testing. Allele origin: germline.
Comment: This variant was observed in the ICSL laboratory as part of a predisposition screen in an ostensibly healthy population. It had not been previously curated by ICSL or reported in the Human Gene Mutation Database (HGMD: prior to June 1st, 2018), and was therefore a candidate for classification through an automated scoring system. Utilizing variant allele frequency, disease prevalence and penetrance estimates, and inheritance mode, an automated score was calculated to assess if this variant is too frequent to cause the disease. Based on the score and internal cut-off values, a variant classified as benign is not then subjected to further curation. The score for this variant resulted in a classification of benign for this disease.

Illumina Laboratory Services, Illumina
Classification: Benign for Dilated cardiomyopathy 1G. Last evaluated: 2018-01-12. Review status: criteria provided, single submitter. Criteria: ICSL Variant Classification Criteria 13 December 2019. Collection method: clinical testing. Allele origin: germline.
Comment: the same text as in the submission from Illumina Laboratory Services, Illumina above.

Illumina Laboratory Services, Illumina
Classification: Benign for Early-onset myopathy with fatal cardiomyopathy. Last evaluated: 2018-01-12. Review status: criteria provided, single submitter. Criteria: ICSL Variant Classification Criteria 13 December 2019. Collection method: clinical testing. Allele origin: germline.
Comment: the same text as in the submission from Illumina Laboratory Services, Illumina above.

Illumina Laboratory Services, Illumina
Classification: Benign for Autosomal recessive limb-girdle muscular dystrophy type 2J. Last evaluated: 2018-01-12. Review status: criteria provided, single submitter. Criteria: ICSL Variant Classification Criteria 13 December 2019. Collection method: clinical testing. Allele origin: germline.
Comment: the same text as in the submission from Illumina Laboratory Services, Illumina above.

Illumina Laboratory Services, Illumina
Classification: Benign for Myopathy, myofibrillar, 9, with early respiratory failure. Last evaluated: 2018-01-12. Review status: criteria provided, single submitter. Criteria: ICSL Variant Classification Criteria 13 December 2019. Collection method: clinical testing. Allele origin: germline.
Comment: the same text as in the submission from Illumina Laboratory Services, Illumina above.

Mayo Clinic Laboratories, Mayo Clinic
Classification: Benign. Last evaluated: 2017-07-25. Review status: criteria provided, single submitter. Criteria: ACMG Guidelines, 2015. Collection method: clinical testing. Allele origin: germline. Observed: 267 variant alleles.

Genetic Services Laboratory, University of Chicago
Classification: Benign for AllHighlyPenetrant. Last evaluated: 2013-08-15. Review status: criteria provided, single submitter. Criteria: ACMG Guidelines, 2007. Collection method: clinical testing. Allele origin: germline.

Eurofins Ntd Llc (ga)
Classification: Benign. Last evaluated: 2013-07-23. Review status: criteria provided, single submitter. Criteria: EGL Classification Definitions 2015. Collection method: clinical testing. Allele origin: germline. Observed: 2 variant alleles, 1 heterozygote, 1 homozygote.

Biesecker Lab/Clinical Genomics Section, National Institutes of Health
Classification: Benign. Last evaluated: 2013-06-24. Review status: criteria provided, single submitter. Criteria: Ng et al. (Circ Cardiovasc Genet. 2013). Collection method: research. Allele origin: unknown. Observed: 88 variant alleles. Study: ClinSeq.
Comment: The study set was not selected for affection status in relation to any cancer. Pathogenicity categories were based on literature curation. See Pubmed ID:23861362 for details.

Medical sequencing

GeneDx
Classification: Benign. Last evaluated: 2012-10-19. Review status: criteria provided, single submitter. Criteria: GeneDx Variant Classification (06012015). Collection method: clinical testing. Allele origin: germline. Affected: yes.
Comment: This variant is considered likely benign or benign based on one or more of the following criteria: it is a conservative change, it occurs at a poorly conserved position in the protein, it is predicted to be benign by multiple in silico algorithms, and/or has population frequency not consistent with disease.

Ambry Genetics
Classification: Benign for Cardiovascular phenotype. Last evaluated: 2012-08-23. Review status: criteria provided, single submitter. Criteria: Ambry Autosomal Dominant and X-Linked criteria (10/2015). Collection method: clinical testing. Allele origin: germline. Observed: 1 variant allele.

Laboratory for Molecular Medicine, Mass General Brigham Personalized Medicine
Classification: Benign. Last evaluated: 2012-04-24. Review status: criteria provided, single submitter. Criteria: LMM Criteria. Collection method: clinical testing. Allele origin: germline. Observed: 160 variant alleles.

Breakthrough Genomics
Classification: Likely benign. Review status: criteria provided, single submitter. Criteria: ACMG Guidelines, 2015. Collection method: not provided. Allele origin: germline. Inheritance: Autosomal recessive inheritance. Affected: yes.

PreventionGenetics, part of Exact Sciences
Classification: Benign. Review status: criteria provided, single submitter. Criteria: ACMG Guidelines, 2015. Collection method: clinical testing. Allele origin: germline.

Clinical Genetics DNA and cytogenetics Diagnostics Lab, Erasmus MC, Erasmus Medical Center
Classification: Benign. Review status: no assertion criteria provided. Collection method: clinical testing. Allele origin: germline. Affected: yes. Study: VKGL Data-share Consensus. Not counted in ClinVar's aggregate classification.

Clinical Genetics, Academic Medical Center
Classification: Benign. Review status: no assertion criteria provided. Collection method: clinical testing. Allele origin: germline. Affected: yes. Study: VKGL Data-share Consensus. Not counted in ClinVar's aggregate classification.